The following is an entry in ClinVar:

NM_001303457.2(TTI1):c.542T>C (p.Leu181Pro)

Gene: TTI1 (TELO2 interacting protein 1; minus strand). Cytogenetic location: 20q11.23.
Variant type: single nucleotide variant.
Coding change: c.542T>C on transcript NM_001303457.2 (MANE Select); coding-DNA position 542, T replaced by C.
Protein change: p.Leu181Pro; replaces leucine 181 with proline.
Molecular consequence: missense variant.
Genome position (GRCh38, 1-based): chr20:38,013,275, A>G on the plus strand (T>C on the coding strand, the complement: TTI1 is on the minus strand). VCF-style: chr20-38013275-A-G. GRCh37 (hg19) VCF-style: chr20-36641677-A-G.
Other names: c.542T>C, p.Leu181Pro (NM_014657.3); short protein forms L181P.
Identifiers: ClinVar variation 4854293 (VCV004854293.1).

ClinVar aggregate classification (germline): Uncertain significance (1 of 4 stars; one submission).

Conditions:
Neurodevelopmental disorder with microcephaly and movement abnormalities (NEDMIM). Identifiers: MedGen C5830624, MONDO:0957531, OMIM 620445.

gnomAD v4.1: 2 of 1,614,104 alleles (0.00012%); highest among the groups gnomAD compares: South Asian, 0.0011%; no homozygotes.

Submission:

3billion
Classification: Uncertain significance for Neurodevelopmental disorder with microcephaly and movement abnormalities. Last evaluated: 2025-10-14. Review status: criteria provided, single submitter. Criteria: ACMG Guidelines, 2015. Collection method: clinical testing. Allele origin: germline. Affected: yes.
Comment: The variant is observed at an extremely low frequency in the gnomAD v4.1.0 dataset (total allele frequency: <0.001%). Predicted Consequence/Location: Missense variant. Missense changes are a common disease-causing mechanism. In silico tool predictions suggest damaging effect of the variant on gene or gene product [REVEL: 0.85 (>=0.6, sensitivity 0.68 and specificity 0.92); 3Cnet: 0.93 (> 0.75, sensitivity 0.96 and precision 0.92)]. Therefore, this variant is classified as VUS according to the recommendation of ACMG/AMP guideline.